The following is an entry in ClinVar:

ClinVar aggregate classification (germline): Uncertain significance (1 of 4 stars; one submission).

Conditions:
Joubert syndrome 20 (JBTS20). Identifiers: Orphanet 475, MedGen C3554235, MONDO:0013994, OMIM 614970.
Meckel syndrome, type 11 (MKS11). Identifiers: Orphanet 564, MedGen C3809352, MONDO:0014164, OMIM 615397.

Submission:

Labcorp Genetics (formerly Invitae), Labcorp
Classification: Uncertain significance for Joubert syndrome 20; Meckel syndrome, type 11. Last evaluated: 2025-01-15. Review status: criteria provided, single submitter. Criteria: Invitae Variant Classification Sherloc (09022015). Collection method: clinical testing. Allele origin: germline.
Comment: This sequence change replaces threonine, which is neutral and polar, with isoleucine, which is neutral and non-polar, at codon 56 of the TMEM231 protein (p.Thr56Ile). This variant is not present in population databases (gnomAD no frequency). This variant has not been reported in the literature in individuals affected with TMEM231-related conditions. ClinVar contains an entry for this variant (Variation ID: 1995518). Experimental studies and prediction algorithms are not available or were not evaluated, and the functional significance of this variant is currently unknown. In summary, the available evidence is currently insufficient to determine the role of this variant in disease. Therefore, it has been classified as a Variant of Uncertain Significance.

NM_001077418.3(TMEM231):c.105C>T (p.Tyr35=)

Gene: TMEM231 (transmembrane protein 231; minus strand). Cytogenetic location: 16q23.1.
Variant type: single nucleotide variant.
Coding change: c.105C>T on transcript NM_001077418.3 (MANE Select); coding-DNA position 105, C replaced by T.
Protein change: p.Tyr35=; no amino-acid change (tyrosine 35 retained).
Molecular consequence: synonymous variant. On other transcripts: missense variant (1), non-coding transcript variant (1).
Genome position (GRCh38, 1-based): chr16:75,556,105, G>A on the plus strand (C>T on the coding strand, the complement: TMEM231 is on the minus strand). VCF-style: chr16-75556105-G-A. GRCh37 (hg19) VCF-style: chr16-75590003-G-A.
Other names: c.167C>T, p.Thr56Ile (NM_001077416.2); short protein forms T56I.
Identifiers: ClinVar variation 1995518 (VCV001995518.4), dbSNP rs2507348248, ClinGen allele CA396810150.
Genomic context (GRCh38, chr16:75,556,105, plus strand): 5'-TGGCACAGCGGCCGGGGCAGGCTCACCGTGGCTCCGGAAGGCCACCAGCAGCGGCGGGAT[G>A]TACGTGAGCGCAGCGGCCAGCAGCAGGAACAGCGCGGCTTTGGAGCAGAGCCCCGCGCGG-3'
Protein context (NP_001070886.1, residues 25-45): LFLLLAAALT[Tyr35=]IPPLLVAFRS